The following is an entry in ClinVar:

NM_000553.6(WRN):c.4178G>C (p.Gly1393Ala)

Gene: WRN (WRN RecQ like helicase; plus strand). Cytogenetic location: 8p12.
Variant type: single nucleotide variant.
Coding change: c.4178G>C on transcript NM_000553.6 (MANE Select); coding-DNA position 4178, G replaced by C.
Protein change: p.Gly1393Ala; replaces glycine 1393 with alanine.
Molecular consequence: missense variant.
Genome position (GRCh38, 1-based): chr8:31,167,217, G>C. VCF-style: chr8-31167217-G-C. GRCh37 (hg19) VCF-style: chr8-31024733-G-C.
Other names: short protein forms G1393A.
Identifiers: ClinVar variation 656647 (VCV000656647.5), dbSNP rs186424616, ClinGen allele CA4705274.

ClinVar aggregate classification (germline): Uncertain significance (1 of 4 stars; one submission).

Conditions:
Werner syndrome (WRN). Identifiers: Orphanet 902, MedGen C0043119, MONDO:0010196, OMIM 277700.

gnomAD v4.1: 5 of 1,612,692 alleles (0.00031%); highest among the groups gnomAD compares: South Asian, 0.0055%; no homozygotes.

Submission:

Labcorp Genetics (formerly Invitae), Labcorp
Classification: Uncertain significance for Werner syndrome. Last evaluated: 2025-04-07. Review status: criteria provided, single submitter. Criteria: Invitae Variant Classification Sherloc (09022015). Collection method: clinical testing. Allele origin: germline.
Comment: This sequence change replaces glycine, which is neutral and non-polar, with alanine, which is neutral and non-polar, at codon 1393 of the WRN protein (p.Gly1393Ala). This variant is present in population databases (rs186424616, gnomAD 0.007%). This variant has not been reported in the literature in individuals affected with WRN-related conditions. ClinVar contains an entry for this variant (Variation ID: 656647). An algorithm developed to predict the effect of missense changes on protein structure and function (PolyPhen-2) suggests that this variant is likely to be tolerated. In summary, the available evidence is currently insufficient to determine the role of this variant in disease. Therefore, it has been classified as a Variant of Uncertain Significance.